The following is an entry in ClinVar:

NM_145305.3(SLC25A43):c.328A>G (p.Ile110Val)

Gene: SLC25A43 (solute carrier family 25 member 43; plus strand). Cytogenetic location: Xq24.
Variant type: single nucleotide variant.
Coding change: c.328A>G on transcript NM_145305.3 (MANE Select); coding-DNA position 328, A replaced by G.
Protein change: p.Ile110Val; replaces isoleucine 110 with valine.
Molecular consequence: missense variant.
Genome position (GRCh38, 1-based): chrX:119,406,512, A>G. VCF-style: chrX-119406512-A-G. GRCh37 (hg19) VCF-style: chrX-118540475-A-G.
Other names: short protein forms I110V.
Identifiers: ClinVar variation 3053210 (VCV003053210.2), dbSNP rs141488181, ClinGen allele CA10501844.

ClinVar aggregate classification (germline): Likely benign (0 of 4 stars; one submission).

Conditions:
SLC25A43-related disorder. Also called: SLC25A43-related condition.

Allele frequency attached by ClinVar (database versions not stated): gnomAD exomes 0.00013; ExAC 0.00048; gnomAD 0.00119; ESP Exome Variant Server 0.00123; TOPMed 0.00129; 1000 Genomes Project 0.00132; 1000 Genomes Project 30x 0.00146.
gnomAD v4.1: 302 of 1,209,845 alleles (0.025%); highest among the groups gnomAD compares: African/African-American, 0.44%; no homozygotes.

Submission:

PreventionGenetics, part of Exact Sciences
Classification: Likely benign for SLC25A43-related condition. Last evaluated: 2022-06-15. Review status: no assertion criteria provided. Collection method: clinical testing. Allele origin: germline.
Comment: This variant is classified as likely benign based on ACMG/AMP sequence variant interpretation guidelines (Richards et al. 2015 PMID: 25741868, with internal and published modifications).